The following is an entry in ClinVar:

NM_000057.4(BLM):c.1441G>A (p.Ala481Thr)

Gene: BLM (BLM RecQ like helicase; plus strand). Cytogenetic location: 15q26.1.
Variant type: single nucleotide variant.
Coding change: c.1441G>A on transcript NM_000057.4 (MANE Select); coding-DNA position 1441, G replaced by A.
Protein change: p.Ala481Thr; replaces alanine 481 with threonine.
Molecular consequence: missense variant.
Genome position (GRCh38, 1-based): chr15:90,760,814, G>A. VCF-style: chr15-90760814-G-A. GRCh37 (hg19) VCF-style: chr15-91304044-G-A.
Other names: c.1441G>A, p.Ala481Thr (NM_001287246.2, NM_001287247.2); c.316G>A, p.Ala106Thr (NM_001287248.2); short protein forms A106T, A481T.
Identifiers: ClinVar variation 1716973 (VCV001716973.7), dbSNP rs2151158240, ClinGen allele CA393843062.

ClinVar aggregate classification (germline): Uncertain significance. Review status: criteria provided, multiple submitters, no conflicts (2 of 4 stars). 2 submissions from 2 submitters: Uncertain significance (2). Last evaluated 2025-10-22.

Conditions:
Hereditary cancer-predisposing syndrome. Also called: Hereditary neoplastic syndrome; Neoplastic Syndromes, Hereditary; Hereditary Cancer Syndrome; Tumor predisposition. Identifiers: Orphanet 140162, MedGen C0027672, MeSH D009386, MONDO:0015356.
Bloom syndrome (BLM). Also called: Bloom-Torre-Machacek syndrome. Identifiers: Orphanet 125, MedGen C0005859, MONDO:0008876, OMIM 210900.

Submissions (2):

Ambry Genetics
Classification: Uncertain significance for Hereditary cancer-predisposing syndrome. Last evaluated: 2025-10-22. Review status: criteria provided, single submitter. Criteria: Ambry Variant Classification Scheme 2023. Collection method: clinical testing. Allele origin: germline.
Comment: The p.A481T variant (also known as c.1441G>A), located in coding exon 6 of the BLM gene, results from a G to A substitution at nucleotide position 1441. The alanine at codon 481 is replaced by threonine, an amino acid with similar properties. This amino acid position is conserved. In addition, this alteration is predicted to be tolerated by in silico analysis. Based on the available evidence, the clinical significance of this variant remains unclear.

Labcorp Genetics (formerly Invitae), Labcorp
Classification: Uncertain significance for Bloom syndrome. Last evaluated: 2023-12-07. Review status: criteria provided, single submitter. Criteria: Invitae Variant Classification Sherloc (09022015). Collection method: clinical testing. Allele origin: germline.
Comment: This sequence change replaces alanine, which is neutral and non-polar, with threonine, which is neutral and polar, at codon 481 of the BLM protein (p.Ala481Thr). This variant is not present in population databases (gnomAD no frequency). This variant has not been reported in the literature in individuals affected with BLM-related conditions. ClinVar contains an entry for this variant (Variation ID: 1716973). Advanced modeling of protein sequence and biophysical properties (such as structural, functional, and spatial information, amino acid conservation, physicochemical variation, residue mobility, and thermodynamic stability) performed at Invitae indicates that this missense variant is not expected to disrupt BLM protein function with a negative predictive value of 80%. In summary, the available evidence is currently insufficient to determine the role of this variant in disease. Therefore, it has been classified as a Variant of Uncertain Significance.